The following is an entry in ClinVar:

NC_000022.10:g.(?_18900293)_(18923807_?)dup

Gene: PRODH (proline dehydrogenase 1; minus strand). Cytogenetic location: 22q11.21.
Variant type: Duplication.
Identifiers: ClinVar variation 3251893 (VCV003251893.1).

ClinVar aggregate classification (germline): Benign (1 of 4 stars; one submission).

Submission:

Women's Health and Genetics/Laboratory Corporation of America, LabCorp
Classification: Benign. Last evaluated: 2024-04-17. Review status: criteria provided, single submitter. Criteria: LabCorp Variant Classification Summary - May 2015. Collection method: clinical testing. Allele origin: germline.
Comment: Variant summary: The variant involves the duplication of exons 1-14 in the PRODH gene. A presumed nomenclature of c.(?_-7)_(*395_?)dup has been designated for the purposes of this classification. This duplication includes the entire coding sequence of the gene. As exact breakpoints are unknown, it may extend beyond the annotated region of the gene, to include other flanking genes. It is assumed to be a tandem duplication in direct orientation (PMIDs: 25640679, 30054569). A large duplication which encompasses the entire gene (together with flanking DNA regions; Position: hg19 22:18884850-18926400; Size: 41,550 bp) was found at a frequency of 0.013 in 21678 control chromosomes in the gnomAD database (Structural Variants v2.1 dataset), including 16 homozygotes. In addition, several overlapping duplications in this region are also reported with high allele frequencies and several homozygotes in the gnomAD database (SVs v2.1 and v4.0 datasets). These data strongly suggest that similar duplications are benign. The duplication of the PRODH gene has been reported in the literature in an individual affected with schizophrenia but was also found in controls without reportable phenotypes (e.g. Jacquet_2002, Hwang_2014). The variant frequencies in these cohorts (~1.5%-3%) were similar to the frequencies reported in gnomAD. In addition, one of these studies also noted that individuals with a PRODH duplication had normal prolinemia (Jacquet_2002). To our knowledge, no experimental evidence demonstrating an impact on protein function has been reported. The following publications have been ascertained in the context of this evaluation (PMID: 12217952, 25312060). ClinVar contains an entry for this variant (Variation ID: 1015845). Based on the evidence outlined above, large duplication variants involving the full coding sequence of the PRODH gene, together with flanking DNA segments (that likely include the essential regulatory regions) were classified as benign.

Literature cited by the submitters: PubMed 12217952; PubMed 25312060.